The following is an entry in ClinVar:

ClinVar aggregate classification (germline): Likely benign (1 of 4 stars; one submission).

Allele frequency attached by ClinVar (database versions not stated): TOPMed 0.00006; ESP Exome Variant Server 0.00009; ExAC 0.00016; gnomAD 0.00021.
gnomAD v4.1: 291 of 1,599,444 alleles (0.018%); highest among the groups gnomAD compares: Non-Finnish European, 0.018%; no homozygotes.

Submission:

CeGaT Center for Human Genetics Tuebingen
Classification: Likely benign. Last evaluated: 2022-10-01. Review status: criteria provided, single submitter. Criteria: CeGaT Center For Human Genetics Tuebingen Variant Classification Criteria Version 2. Collection method: clinical testing. Allele origin: germline. Affected: yes. Observed: 1 variant allele.
Comment: PTPN13: BP4, BP7

NM_080683.3(PTPN13):c.6684G>A (p.Gln2228=)

Gene: PTPN13 (protein tyrosine phosphatase non-receptor type 13; plus strand). Cytogenetic location: 4q21.3.
Variant type: single nucleotide variant.
Coding change: c.6684G>A on transcript NM_080683.3 (MANE Select); coding-DNA position 6684, G replaced by A.
Protein change: p.Gln2228=; no amino-acid change (glutamine 2228 retained).
Molecular consequence: synonymous variant.
Genome position (GRCh38, 1-based): chr4:86,805,308, G>A. VCF-style: chr4-86805308-G-A. GRCh37 (hg19) VCF-style: chr4-87726461-G-A.
Other names: c.6627G>A, p.Gln2209= (NM_006264.3); c.6111G>A, p.Gln2037= (NM_080684.3); c.6699G>A, p.Gln2233= (NM_080685.3).
Identifiers: ClinVar variation 2654888 (VCV002654888.24), dbSNP rs61750817, ClinGen allele CA2997037.